The following is an entry in ClinVar:

ClinVar aggregate classification (germline): Uncertain significance. Review status: criteria provided, multiple submitters, no conflicts (2 of 4 stars). 2 submissions from 2 submitters: Uncertain significance (2). Last evaluated 2025-12-24.

Conditions:
Inborn genetic diseases. Identifiers: MedGen C0950123, MeSH D030342.

Allele frequency attached by ClinVar (database versions not stated): ExAC 0.00001; gnomAD 0.00001; TOPMed 0.00003; gnomAD exomes 0.00004; ESP Exome Variant Server 0.00008.
gnomAD v4.1: 68 of 1,613,874 alleles (0.0042%); highest among the groups gnomAD compares: Middle Eastern, 0.017%; no homozygotes.

Submissions (2):

Labcorp Genetics (formerly Invitae), Labcorp
Classification: Uncertain significance. Last evaluated: 2025-12-24. Review status: criteria provided, single submitter. Criteria: Invitae Variant Classification Sherloc (09022015). Collection method: clinical testing. Allele origin: germline.
Comment: This sequence change replaces serine, which is neutral and polar, with leucine, which is neutral and non-polar, at codon 216 of the CDH2 protein (p.Ser216Leu). This variant is present in population databases (rs199664916, gnomAD 0.003%). This variant has not been reported in the literature in individuals affected with CDH2-related conditions. ClinVar contains an entry for this variant (Variation ID: 1907150). An algorithm developed to predict the effect of missense changes on protein structure and function (PolyPhen-2) suggests that this variant is likely to be disruptive. In summary, the available evidence is currently insufficient to determine the role of this variant in disease. Therefore, it has been classified as a Variant of Uncertain Significance.

Ambry Genetics
Classification: Uncertain significance for Inborn genetic diseases. Last evaluated: 2025-11-06. Review status: criteria provided, single submitter. Criteria: Ambry Variant Classification Scheme 2023. Collection method: clinical testing. Allele origin: germline.

NM_001792.5(CDH2):c.647C>T (p.Ser216Leu)

Gene: CDH2 (cadherin 2; minus strand). Cytogenetic location: 18q12.1.
Variant type: single nucleotide variant.
Coding change: c.647C>T on transcript NM_001792.5 (MANE Select); coding-DNA position 647, C replaced by T.
Protein change: p.Ser216Leu; replaces serine 216 with leucine.
Molecular consequence: missense variant.
Genome position (GRCh38, 1-based): chr18:28,009,772, G>A on the plus strand (C>T on the coding strand, the complement: CDH2 is on the minus strand). VCF-style: chr18-28009772-G-A. GRCh37 (hg19) VCF-style: chr18-25589736-G-A.
Other names: c.647C>T (NM_001792.3); c.554C>T, p.Ser185Leu (NM_001308176.2); short protein forms S216L, S185L.
Identifiers: ClinVar variation 1907150 (VCV001907150.7), dbSNP rs199664916, ClinGen allele CA8923639.